The following is an entry in ClinVar:

ClinVar aggregate classification (germline): Benign/Likely benign. Review status: criteria provided, multiple submitters, no conflicts (2 of 4 stars). 6 submissions from 6 submitters: Benign (3); Likely benign (3). Last evaluated 2024-11-26.

Conditions:
Bernard Soulier syndrome (BSS). Also called: Platelet Glycoprotein 1b, Deficiency of; PLATELET GLYCOPROTEIN Ib DEFICIENCY; BLEEDING DISORDER, PLATELET-TYPE, 1; GLYCOPROTEIN Ib, PLATELET, DEFICIENCY OF; VON WILLEBRAND FACTOR RECEPTOR DEFICIENCY; Giant platelet syndrome. Identifiers: Orphanet 274, MedGen C0005129, MeSH D001606, MONDO:0009276, OMIM 231200.

Allele frequency attached by ClinVar (database versions not stated): gnomAD exomes 0.00478 and 0.00994; ExAC 0.01109; gnomAD 0.02679 and 0.02870; 1000 Genomes Project 0.02975; TOPMed 0.03005; 1000 Genomes Project 30x 0.03310.

Submissions (6):

Blueprint Genetics
Classification: Likely benign. Last evaluated: 2024-11-26. Review status: criteria provided, single submitter. Criteria: ACMG Guidelines, 2015. Collection method: clinical testing. Allele origin: germline.

Mayo Clinic Laboratories, Mayo Clinic
Classification: Benign. Last evaluated: 2023-08-26. Review status: criteria provided, single submitter. Criteria: ACMG Guidelines, 2015. Collection method: clinical testing. Allele origin: germline. Observed: 10 variant alleles.

GeneDx
Classification: Benign. Last evaluated: 2021-05-05. Review status: criteria provided, single submitter. Criteria: GeneDx Variant Classification Process June 2021. Collection method: clinical testing. Allele origin: germline. Affected: yes.

Illumina Laboratory Services, Illumina
Classification: Benign for Bernard Soulier syndrome. Last evaluated: 2018-01-13. Review status: criteria provided, single submitter. Criteria: ICSL Variant Classification Criteria 13 December 2019. Collection method: clinical testing. Allele origin: germline.
Comment: This variant was observed in the ICSL laboratory as part of a predisposition screen in an ostensibly healthy population. It had not been previously curated by ICSL or reported in the Human Gene Mutation Database (HGMD: prior to June 1st, 2018), and was therefore a candidate for classification through an automated scoring system. Utilizing variant allele frequency, disease prevalence and penetrance estimates, and inheritance mode, an automated score was calculated to assess if this variant is too frequent to cause the disease. Based on the score and internal cut-off values, a variant classified as benign is not then subjected to further curation. The score for this variant resulted in a classification of benign for this disease.

Breakthrough Genomics
Classification: Likely benign. Review status: criteria provided, single submitter. Criteria: ACMG Guidelines, 2015. Collection method: not provided. Allele origin: germline. Inheritance: Autosomal recessive inheritance. Affected: yes.

PreventionGenetics, part of Exact Sciences
Classification: Likely benign. Review status: criteria provided, single submitter. Criteria: ACMG Guidelines, 2015. Collection method: clinical testing. Allele origin: germline.

NM_000174.5(GP9):c.*7C>T

Gene: GP9 (glycoprotein IX platelet; plus strand). Cytogenetic location: 3q21.3.
Variant type: single nucleotide variant.
Coding change: c.*7C>T on transcript NM_000174.5 (MANE Select); 7 bases downstream of the stop codon, C replaced by T.
Molecular consequence: 3 prime UTR variant.
Genome position (GRCh38, 1-based): chr3:129,062,280, C>T. VCF-style: chr3-129062280-C-T. GRCh37 (hg19) VCF-style: chr3-128781123-C-T.
Other names: c.*7C>T (NM_000174.4).
Identifiers: ClinVar variation 255470 (VCV000255470.11), dbSNP rs115005114, ClinGen allele CA2602736.